The following is an entry in ClinVar:

ClinVar aggregate classification (germline): Pathogenic. Review status: criteria provided, multiple submitters, no conflicts (2 of 4 stars). 2 submissions from 2 submitters: Pathogenic (2). Last evaluated 2025-09-14.

Conditions:
Hereditary cancer-predisposing syndrome. Also called: Tumor predisposition; Hereditary neoplastic syndrome; Hereditary Cancer Syndrome; Neoplastic Syndromes, Hereditary. Identifiers: Orphanet 140162, MedGen C0027672, MeSH D009386, MONDO:0015356.
Hereditary breast ovarian cancer syndrome. Also called: BRCA1- and BRCA2-Associated Hereditary Breast and Ovarian Cancer; Hereditary breast and ovarian cancer; Hereditary breast and/or ovarian cancer syndrome; Hereditary breast and ovarian cancer syndrome; Hereditary breast and ovarian cancer syndrome (HBOC); Breast and ovarian cancer. Identifiers: Orphanet 145, MedGen C0677776, MeSH D061325, MONDO:0003582. Disease mechanism: loss of function.

Submissions (2):

Labcorp Genetics (formerly Invitae), Labcorp
Classification: Pathogenic for Hereditary breast ovarian cancer syndrome. Last evaluated: 2025-09-14. Review status: criteria provided, single submitter. Criteria: Invitae Variant Classification Sherloc (09022015). Collection method: clinical testing. Allele origin: germline.
Comment: This sequence change creates a premature translational stop signal (p.Val2151Lysfs*18) in the BRCA2 gene. It is expected to result in an absent or disrupted protein product. Loss-of-function variants in BRCA2 are known to be pathogenic (PMID: 20104584). This variant is not present in population databases (gnomAD no frequency). This variant has not been reported in the literature in individuals affected with BRCA2-related conditions. ClinVar contains an entry for this variant (Variation ID: 961501). For these reasons, this variant has been classified as Pathogenic.

Ambry Genetics
Classification: Pathogenic for Hereditary cancer-predisposing syndrome. Last evaluated: 2020-02-05. Review status: criteria provided, single submitter. Criteria: Ambry Variant Classification Scheme 2023. Collection method: clinical testing. Allele origin: germline.
Comment: The c.6449_6450dupAA pathogenic mutation, located in coding exon 10 of the BRCA2 gene, results from a duplication of AA at nucleotide position 6449, causing a translational frameshift with a predicted alternate stop codon (p.V2151Kfs*18). This alteration is expected to result in loss of function by premature protein truncation or nonsense-mediated mRNA decay. As such, this alteration is interpreted as a disease-causing mutation.

Literature cited by the submitters: PubMed 20104584 (cited by Labcorp Genetics (formerly Invitae), Labcorp).

NM_000059.4(BRCA2):c.6449_6450dup (p.Val2151fs)

Gene: BRCA2 (BRCA2 DNA repair associated; plus strand). Cytogenetic location: 13q13.1.
Variant type: Duplication.
Coding change: c.6449_6450dup on transcript NM_000059.4 (MANE Select); coding-DNA positions 6449 to 6450, 2 bases duplicated (AA; older notation c.6449_6450dupAA).
Protein change: p.Val2151fs; shifts the reading frame from valine 2151.
Molecular consequence: frameshift variant.
Genome position (GRCh38, 1-based): chr13:32,340,804-32,340,805, AA duplicated; duplicating any 2 consecutive bases within chr13:32,340,803-32,340,805 gives the same sequence; the c. name uses the placement nearest the transcript's 3' end. VCF-style (leftmost placement, unchanged base first): chr13-32340802-T-TAA. GRCh37 (hg19) VCF-style: chr13-32914939-T-TAA.
Other names: c.6449_6450dupAA (NM_000059.3); short protein forms V2151fs.
Identifiers: ClinVar variation 961501 (VCV000961501.10), dbSNP rs80359594, ClinGen allele CA1139663237.